The following is an entry in ClinVar:

NM_002618.4(PEX13):c.1046C>T (p.Ser349Phe)

Gene: PEX13 (peroxisomal biogenesis factor 13; plus strand). Cytogenetic location: 2p15.
Variant type: single nucleotide variant.
Coding change: c.1046C>T on transcript NM_002618.4 (MANE Select); coding-DNA position 1046, C replaced by T.
Protein change: p.Ser349Phe; replaces serine 349 with phenylalanine.
Molecular consequence: missense variant.
Genome position (GRCh38, 1-based): chr2:61,048,604, C>T. VCF-style: chr2-61048604-C-T. GRCh37 (hg19) VCF-style: chr2-61275739-C-T.
Other names: short protein forms S349F.
Identifiers: ClinVar variation 1417184 (VCV001417184.3), dbSNP rs1367527916, ClinGen allele CA346949898.

ClinVar aggregate classification (germline): Uncertain significance (1 of 4 stars; one submission).

Conditions:
Peroxisome biogenesis disorder 11A (Zellweger). Also called: Peroxisome biogenesis disorder 11A. Identifiers: Orphanet 912, MedGen C3554000, MONDO:0013949, OMIM 614883.

Allele frequency attached by ClinVar (database versions not stated): gnomAD exomes 0.00001.
gnomAD v4.1: 19 of 1,614,092 alleles (0.0012%); highest among the groups gnomAD compares: Non-Finnish European, 0.0015%; no homozygotes.

Submission:

Labcorp Genetics (formerly Invitae), Labcorp
Classification: Uncertain significance for Peroxisome biogenesis disorder 11A (Zellweger). Last evaluated: 2021-09-19. Review status: criteria provided, single submitter. Criteria: Invitae Variant Classification Sherloc (09022015). Collection method: clinical testing. Allele origin: germline.
Comment: This sequence change replaces serine with phenylalanine at codon 349 of the PEX13 protein (p.Ser349Phe). The serine residue is weakly conserved and there is a large physicochemical difference between serine and phenylalanine. This variant is not present in population databases (ExAC no frequency). This variant has not been reported in the literature in individuals affected with PEX13-related conditions. Algorithms developed to predict the effect of missense changes on protein structure and function (SIFT, PolyPhen-2, Align-GVGD) all suggest that this variant is likely to be tolerated. In summary, the available evidence is currently insufficient to determine the role of this variant in disease. Therefore, it has been classified as a Variant of Uncertain Significance.